The following is an entry in ClinVar:

NM_001267550.2(TTN):c.75542_75554del (p.Asn25181fs)

Genes: TTN (titin; minus strand), TTN-AS1 (TTN antisense RNA 1; plus strand). Cytogenetic location: 2q31.2.
Variant type: Deletion.
Coding change: c.75542_75554del on transcript NM_001267550.2 (MANE Select); coding-DNA positions 75542 to 75554, 13 bases deleted (ATTACATACTGAA).
Protein change: p.Asn25181fs; shifts the reading frame from asparagine 25181.
Molecular consequence: frameshift variant.
Genome position (GRCh38, 1-based): chr2:178,570,578-178,570,590, TTCAGTATGTAAT deleted on the plus strand (ATTACATACTGAA on the coding strand, the reverse complement: TTN is on the minus strand); deleting any 13 consecutive bases within chr2:178,570,578-178,570,593 gives the same sequence; the c. name uses the placement nearest the transcript's 3' end. VCF-style (leftmost placement, unchanged base first): chr2-178570577-CTTCAGTATGTAAT-C. GRCh37 (hg19) VCF-style: chr2-179435304-CTTCAGTATGTAAT-C.
Other names: c.70619_70631del, p.Asn23540fs (NM_001256850.1); c.48347_48359del, p.Asn16116fs (NM_003319.4); c.67838_67850del, p.Asn22613fs (NM_133378.4); c.48722_48734del, p.Asn16241fs (NM_133432.3); c.48923_48935del, p.Asn16308fs (NM_133437.4); c.48347_48359del13 (NM_003319.4); short protein forms N16241fs, N16116fs, N16308fs, N25181fs, N22613fs, N23540fs.
Identifiers: ClinVar variation 1743450 (VCV001743450.3), dbSNP rs2468456267, ClinGen allele CA2580064613.

ClinVar aggregate classification (germline): Likely pathogenic. Review status: criteria provided, single submitter (1 of 4 stars). 2 submissions from 2 submitters: Likely pathogenic (1). 1 of the submissions does not count toward it. Last evaluated 2022-07-25.

Conditions:
Cardiovascular phenotype. Identifiers: MedGen CN230736.
Dilated cardiomyopathy 1G (CMD1G). Identifiers: Orphanet 154, MedGen C1858763, MONDO:0011400, OMIM 604145.

Submissions (2):

Ambry Genetics
Classification: Likely pathogenic for Cardiovascular phenotype. Last evaluated: 2022-07-25. Review status: criteria provided, single submitter. Criteria: Ambry Variant Classification Scheme 2023. Collection method: clinical testing. Allele origin: germline.
Comment: The c.48347_48359del13 variant, located in coding exon 153 of the TTN gene, results from a deletion of 13 nucleotides at nucleotide positions 48347 to 48359, causing a translational frameshift with a predicted alternate stop codon (p.N16116Rfs*13). This exon is located in the A-band region of the N2-B isoform of the titin protein and is constitutively expressed in TTN transcripts (percent spliced in or PSI 100%). This variant is considered to be rare based on population cohorts in the Genome Aggregation Database (gnomAD). This alteration is expected to result in loss of function by premature protein truncation or nonsense-mediated mRNA decay. While truncating variants in TTN are present in 1-3% of the general population, truncating variants in the A-band are the most common cause of dilated cardiomyopathy (DCM) (Herman DS et al. N. Engl. J. Med., 2012 Feb;366:619-28; Roberts AM et al. Sci Transl Med, 2015 Jan;7:270ra6). TTN truncating variants encoded in constitutive exons (PSI >90%) have been found to be significantly associated with DCM regardless of their position in titin (Schafer S et al. Nat. Genet., 2017 01;49:46-53). Based on the majority of available evidence to date, this variant is likely to be pathogenic.

Cardiogenetics and Myogenetics Molecular and Cellular Functional Unit, Aphp Sorbonne University-Hopital Pitie Salpetriere
Classification: Likely pathogenic for Dilated cardiomyopathy 1G. Last evaluated: 2024-01-06. Review status: no assertion criteria provided. Collection method: clinical testing. Allele origin: germline. Affected: yes. Not counted in ClinVar's aggregate classification.